The following is an entry in ClinVar:

ClinVar aggregate classification (germline): Likely benign. Review status: criteria provided, multiple submitters, no conflicts (2 of 4 stars). 4 submissions from 4 submitters: Likely benign (4). Last evaluated 2025-03-09.

Conditions:
PRX-related disorder. Also called: PRX-related condition; PRX-Related Disorders.
Charcot-Marie-Tooth disease type 4. Also called: Charcot-Marie-Tooth disease, type IV; Charcot-Marie-Tooth, Type 4. Identifiers: Orphanet 64749, MedGen C4082197, MONDO:0018995.
Charcot-Marie-Tooth disease. Also called: Charcot-Marie-Tooth Neuropathy; Charcot-Marie-Tooth Hereditary Neuropathy. Identifiers: Orphanet 166, MedGen C0007959, MONDO:0015626.

Allele frequency attached by ClinVar (database versions not stated): gnomAD 0.00002; TOPMed 0.00003; gnomAD exomes 0.00004; ExAC 0.00006; ESP Exome Variant Server 0.00008.

Submissions (4):

PreventionGenetics, part of Exact Sciences
Classification: Likely benign for PRX-related condition. Last evaluated: 2025-03-09. Review status: criteria provided, single submitter. Criteria: ACMG Guidelines, 2015. Collection method: clinical testing. Allele origin: germline.
Comment: This variant is classified as likely benign based on ACMG/AMP sequence variant interpretation guidelines (Richards et al. 2015 PMID: 25741868, with internal and published modifications).

Labcorp Genetics (formerly Invitae), Labcorp
Classification: Likely benign for Charcot-Marie-Tooth disease type 4. Last evaluated: 2025-01-06. Review status: criteria provided, single submitter. Criteria: Invitae Variant Classification Sherloc (09022015). Collection method: clinical testing. Allele origin: germline.

CeGaT Center for Human Genetics Tuebingen
Classification: Likely benign. Last evaluated: 2022-05-01. Review status: criteria provided, single submitter. Criteria: CeGaT Center For Human Genetics Tuebingen Variant Classification Criteria Version 2. Collection method: clinical testing. Allele origin: germline. Affected: yes. Observed: 1 variant allele.
Comment: PRX: BP4, BP7

Molecular Genetics Laboratory, London Health Sciences Centre
Classification: Likely benign for Charcot-Marie-Tooth disease. Review status: criteria provided, single submitter. Criteria: ACMG Guidelines, 2015. Collection method: clinical testing. Allele origin: germline. Affected: yes.

NM_181882.3(PRX):c.3423G>A (p.Ala1141=)

Gene: PRX (periaxin; minus strand). Cytogenetic location: 19q13.2.
Variant type: single nucleotide variant.
Coding change: c.3423G>A on transcript NM_181882.3 (MANE Select); coding-DNA position 3423, G replaced by A.
Protein change: p.Ala1141=; no amino-acid change (alanine 1141 retained).
Molecular consequence: synonymous variant. On other transcripts: 3 prime UTR variant (1).
Genome position (GRCh38, 1-based): chr19:40,394,929, C>T on the plus strand (G>A on the coding strand, the complement: PRX is on the minus strand). VCF-style: chr19-40394929-C-T. GRCh37 (hg19) VCF-style: chr19-40900836-C-T.
Other names: c.*3628G>A (NM_020956.2); c.3423G>A (NM_181882.2).
Identifiers: ClinVar variation 916832 (VCV000916832.34), dbSNP rs370800046, ClinGen allele CA9443859.
Genomic context (GRCh38, chr19:40,394,929, plus strand): 5'-CCCAAAGCCGGTCAGCTCCACCTGTGGCAGGGAGATGCCCAGCGGAGGCATCCTCAGCCC[C>T]GCGTCATGGCCCTCAGTGACCACCTGCCCGGCTGTGGACACCTTCAGGCCTGACAGCTGC-3'
Protein context (NP_870998.2, residues 1131-1151): AGQVVTEGHD[Ala1141=]GLRMPPLGIS